The following is an entry in ClinVar:

ClinVar aggregate classification (germline): Uncertain significance (1 of 4 stars; one submission).

Conditions:
Fanconi anemia (FA). Also called: Fanconi's anemia. Identifiers: Orphanet 84, MedGen C0015625, MeSH D005199, MONDO:0019391.

Submission:

Labcorp Genetics (formerly Invitae), Labcorp
Classification: Uncertain significance for Fanconi anemia. Last evaluated: 2022-08-27. Review status: criteria provided, single submitter. Criteria: Invitae Variant Classification Sherloc (09022015). Collection method: clinical testing. Allele origin: germline.
Comment: In summary, the available evidence is currently insufficient to determine the role of this variant in disease. Therefore, it has been classified as a Variant of Uncertain Significance. Algorithms developed to predict the effect of sequence changes on RNA splicing suggest that this variant may create or strengthen a splice site. This variant has not been reported in the literature in individuals affected with FANCA-related conditions. This variant is not present in population databases (gnomAD no frequency). This sequence change falls in intron 4 of the FANCA gene. It does not directly change the encoded amino acid sequence of the FANCA protein.

NM_000135.4(FANCA):c.426+18A>T

Gene: FANCA (FA complementation group A; minus strand). Cytogenetic location: 16q24.3.
Variant type: single nucleotide variant.
Coding change: c.426+18A>T on transcript NM_000135.4 (MANE Select); 18 bases into the intron after coding-DNA position 426, A replaced by T.
Molecular consequence: intron variant.
Genome position (GRCh38, 1-based): chr16:89,810,911, T>A on the plus strand (A>T on the coding strand, the complement: FANCA is on the minus strand). VCF-style: chr16-89810911-T-A. GRCh37 (hg19) VCF-style: chr16-89877319-T-A.
Other names: c.426+18A>T (NM_001286167.3, NM_001351830.2, NM_001018112.3).
Identifiers: ClinVar variation 2037792 (VCV002037792.4), dbSNP rs2544363851, ClinGen allele CA2580092367.